The following is an entry in ClinVar:

NM_018191.4(RCBTB1):c.1297G>A (p.Val433Ile)

Gene: RCBTB1 (RCC1 and BTB domain containing protein 1; minus strand). Cytogenetic location: 13q14.2.
Variant type: single nucleotide variant.
Coding change: c.1297G>A on transcript NM_018191.4 (MANE Select); coding-DNA position 1297, G replaced by A.
Protein change: p.Val433Ile; replaces valine 433 with isoleucine.
Molecular consequence: missense variant. On other transcripts: non-coding transcript variant (2).
Genome position (GRCh38, 1-based): chr13:49,541,703, C>T on the plus strand (G>A on the coding strand, the complement: RCBTB1 is on the minus strand). VCF-style: chr13-49541703-C-T. GRCh37 (hg19) VCF-style: chr13-50115839-C-T.
Other names: c.1297G>A, p.Val433Ile (NM_001352500.2, NM_001352501.2, NM_001352502.2 and 2 more transcripts); c.718G>A, p.Val240Ile (NM_001352506.2); short protein forms V240I, V433I.
Identifiers: ClinVar variation 959386 (VCV000959386.10), dbSNP rs762764935, ClinGen allele CA388187156.
Genomic context (GRCh38, chr13:49,541,703, plus strand): 5'-TGCGGCTCGTCCATCCCAATGCTACCACAGTACCTATAGCATCTTCTGGCGGCAGGTCGA[C>T]TGTGTCTGTGTAGAGGTACTGGAGAAAGGCACGATACACTGGGTAAGAAAACTGATCGAT-3'
Protein context (NP_060661.3, residues 423-443): AFLQYLYTDT[Val433Ile]DLPPEDAIGL

ClinVar aggregate classification (germline): Uncertain significance. Review status: criteria provided, multiple submitters, no conflicts (2 of 4 stars). 2 submissions from 2 submitters: Uncertain significance (2). Last evaluated 2025-12-16.

Allele frequency attached by ClinVar (database versions not stated): TOPMed 0.00001.
gnomAD v4.1: 3 of 1,612,882 alleles (0.00019%); highest among the groups gnomAD compares: Non-Finnish European, 0.00017%; no homozygotes.

Submissions (2):

Ambry Genetics
Classification: Uncertain significance. Last evaluated: 2025-12-16. Review status: criteria provided, single submitter. Criteria: Ambry Variant Classification Scheme 2023. Collection method: clinical testing. Allele origin: germline.

Labcorp Genetics (formerly Invitae), Labcorp
Classification: Uncertain significance. Last evaluated: 2024-12-02. Review status: criteria provided, single submitter. Criteria: Invitae Variant Classification Sherloc (09022015). Collection method: clinical testing. Allele origin: germline.
Comment: This sequence change replaces valine, which is neutral and non-polar, with isoleucine, which is neutral and non-polar, at codon 433 of the RCBTB1 protein (p.Val433Ile). This variant is not present in population databases (gnomAD no frequency). This variant has not been reported in the literature in individuals affected with RCBTB1-related conditions. ClinVar contains an entry for this variant (Variation ID: 959386). Invitae Evidence Modeling of protein sequence and biophysical properties (such as structural, functional, and spatial information, amino acid conservation, physicochemical variation, residue mobility, and thermodynamic stability) indicates that this missense variant is not expected to disrupt RCBTB1 protein function with a negative predictive value of 80%. In summary, the available evidence is currently insufficient to determine the role of this variant in disease. Therefore, it has been classified as a Variant of Uncertain Significance.